The following is an entry in ClinVar:

ClinVar aggregate classification (germline): Uncertain significance (1 of 4 stars; one submission).

Submission:

Labcorp Genetics (formerly Invitae), Labcorp
Classification: Uncertain significance. Last evaluated: 2024-08-12. Review status: criteria provided, single submitter. Criteria: Invitae Variant Classification Sherloc (09022015). Collection method: clinical testing. Allele origin: germline.
Comment: This sequence change replaces serine, which is neutral and polar, with phenylalanine, which is neutral and non-polar, at codon 1523 of the KAT6A protein (p.Ser1523Phe). This variant is not present in population databases (gnomAD no frequency). This variant has not been reported in the literature in individuals affected with KAT6A-related conditions. Experimental studies and prediction algorithms are not available or were not evaluated, and the functional significance of this variant is currently unknown. In summary, the available evidence is currently insufficient to determine the role of this variant in disease. Therefore, it has been classified as a Variant of Uncertain Significance.

NM_006766.5(KAT6A):c.4568C>T (p.Ser1523Phe)

Gene: KAT6A (lysine acetyltransferase 6A; minus strand). Cytogenetic location: 8p11.21.
Variant type: single nucleotide variant.
Coding change: c.4568C>T on transcript NM_006766.5 (MANE Select); coding-DNA position 4568, C replaced by T.
Protein change: p.Ser1523Phe; replaces serine 1523 with phenylalanine.
Molecular consequence: missense variant.
Genome position (GRCh38, 1-based): chr8:41,933,652, G>A on the plus strand (C>T on the coding strand, the complement: KAT6A is on the minus strand). VCF-style: chr8-41933652-G-A. GRCh37 (hg19) VCF-style: chr8-41791170-G-A.
Other names: short protein forms S1523F.
Identifiers: ClinVar variation 3684085 (VCV003684085.2).